The following is an entry in ClinVar:

ClinVar aggregate classification (germline): Uncertain significance (1 of 4 stars; one submission).

Conditions:
Palatal anomalies-widely spaced teeth-facial dysmorphism-developmental delay syndrome. Also called: Cleft palate, psychomotor retardation, and distinctive facial features. Identifiers: Orphanet 477993, MedGen C4225229, MONDO:0014751, OMIM 616728.

Submission:

Victorian Clinical Genetics Services, Murdoch Childrens Research Institute
Classification: Uncertain significance for Palatal anomalies-widely spaced teeth-facial dysmorphism-developmental delay syndrome. Last evaluated: 2023-07-17. Review status: criteria provided, single submitter. Criteria: ACMG Guidelines, 2015. Collection method: clinical testing. Allele origin: germline. Inheritance: Autosomal dominant inheritance. Affected: yes.
Comment: Based on the classification scheme VCGS_Germline_v1.3.4, this variant is classified as VUS-3B. Following criteria are met: 0105 - The mechanism of disease for this gene is not clearly established. While functional studies on missense variants suggest a loss of function mechanism, dominant negative has not been excluded (PMID: 27094131). (I) 0107 - This gene is associated with autosomal dominant disease. (I) 0205 - Variant is predicted to result in a truncated protein (premature termination codon is NOT located at least 54 nucleotides upstream of the final exon-exon junction) with less than 1/3 of the protein sequence affected. (SP) 0251 - This variant is heterozygous. (I) 0301 - Variant is absent from gnomAD (both v2 and v3). (SP) 0600 - Variant results in the truncation of part of the annotated flavin containing amine oxidoreductase domain. This also includes two downstream binding sites (DECIPHER). (I) 0705 - No comparable protein truncating variants have previous evidence for pathogenicity. However, one protein truncating variant has been observed in the germline of an individual with glioblastoma multiforme (PMID: 29559475). (I) 0807 - This variant has no previous evidence of pathogenicity. (I) 0905 - No published segregation evidence has been identified for this variant. (I) 1007 - No published functional evidence has been identified for this variant. (I) 1208 - Inheritance information for this variant is not currently available in this individual. (I) Legend: (SP) - Supporting pathogenic, (I) - Information, (SB) - Supporting benign

Literature cited by the submitters: PubMed 27094131; PubMed 29559475.

NM_001009999.3(KDM1A):c.2300_2307dup (p.Thr770fs)

Gene: KDM1A (lysine demethylase 1A; plus strand). Cytogenetic location: 1p36.12.
Variant type: Duplication.
Coding change: c.2300_2307dup on transcript NM_001009999.3 (MANE Select); coding-DNA positions 2300 to 2307, 8 bases duplicated (CCAAAGAA; older notation c.2300_2307dupCCAAAGAA).
Protein change: p.Thr770fs; shifts the reading frame from threonine 770.
Molecular consequence: frameshift variant.
Genome position (GRCh38, 1-based): chr1:23,082,221-23,082,228, CCAAAGAA duplicated. VCF-style (leftmost placement, unchanged base first): chr1-23082220-C-CCCAAAGAA. GRCh37 (hg19) VCF-style: chr1-23408713-C-CCCAAAGAA.
Other names: c.2246_2253dup, p.Thr752fs (NM_001363654.2); c.2306_2313dup, p.Thr772fs (NM_001410762.1); c.2228_2235dup, p.Thr746fs (NM_001410763.1, NM_015013.4); short protein forms T746fs, T752fs, T770fs, T772fs.
Identifiers: ClinVar variation 3254797 (VCV003254797.1), dbSNP rs2522817929.
Genomic context (GRCh38, chr1:23,082,220, plus strand): 5'-TCAAGGATTGATTTGTGCTTGGTGTCTCGTAATGACTTTTGCTCCTGGTTTTTCTTTTAG[C>CCCAAAGAA]CCAAAGAAACTGTGGTGTCTCGTTGGCGTGCTGATCCCTGGGCTCGGGGCTCTTATTCCT-3'